The following is an entry in ClinVar:

ClinVar aggregate classification (germline): Uncertain significance (1 of 4 stars; one submission).

Submission:

Labcorp Genetics (formerly Invitae), Labcorp
Classification: Uncertain significance. Last evaluated: 2024-11-11. Review status: criteria provided, single submitter. Criteria: Invitae Variant Classification Sherloc (09022015). Collection method: clinical testing. Allele origin: germline.
Comment: This sequence change replaces alanine, which is neutral and non-polar, with threonine, which is neutral and polar, at codon 3 of the EIF2B5 protein (p.Ala3Thr). This variant is not present in population databases (gnomAD no frequency). This variant has not been reported in the literature in individuals affected with EIF2B5-related conditions. ClinVar contains an entry for this variant (Variation ID: 2103227). Invitae Evidence Modeling of protein sequence and biophysical properties (such as structural, functional, and spatial information, amino acid conservation, physicochemical variation, residue mobility, and thermodynamic stability) indicates that this missense variant is not expected to disrupt EIF2B5 protein function with a negative predictive value of 95%. In summary, the available evidence is currently insufficient to determine the role of this variant in disease. Therefore, it has been classified as a Variant of Uncertain Significance.

NM_003907.3(EIF2B5):c.7G>A (p.Ala3Thr)

Gene: EIF2B5 (eukaryotic translation initiation factor 2B subunit epsilon; plus strand). Cytogenetic location: 3q27.1.
Variant type: single nucleotide variant.
Coding change: c.7G>A on transcript NM_003907.3 (MANE Select); coding-DNA position 7, G replaced by A.
Protein change: p.Ala3Thr; replaces alanine 3 with threonine.
Molecular consequence: missense variant.
Genome position (GRCh38, 1-based): chr3:184,135,392, G>A. VCF-style: chr3-184135392-G-A. GRCh37 (hg19) VCF-style: chr3-183853180-G-A.
Other names: short protein forms A3T.
Identifiers: ClinVar variation 2103227 (VCV002103227.4), dbSNP rs2473657285, ClinGen allele CA355380947.